The following is an entry in ClinVar:

ClinVar aggregate classification (germline): Benign (1 of 4 stars; one submission).

Allele frequency attached by ClinVar (database versions not stated): TOPMed 0.04565; gnomAD 0.04973 and 0.05014; 1000 Genomes Project 0.05871; 1000 Genomes Project 30x 0.05731.
gnomAD v4.1: 7,564 of 152,256 alleles (5%); highest among the groups gnomAD compares: African/African-American, 8.5%; 273 homozygotes.

Submission:

GeneDx
Classification: Benign. Last evaluated: 2018-06-19. Review status: criteria provided, single submitter. Criteria: GeneDx Variant Classification (06012015). Collection method: clinical testing. Allele origin: germline. Affected: yes.
Comment: This variant is considered likely benign or benign based on one or more of the following criteria: it is a conservative change, it occurs at a poorly conserved position in the protein, it is predicted to be benign by multiple in silico algorithms, and/or has population frequency not consistent with disease.

NM_001256545.2(MEGF10):c.319+206T>C

Gene: MEGF10 (multiple EGF like domains 10; plus strand). Cytogenetic location: 5q23.2.
Variant type: single nucleotide variant.
Coding change: c.319+206T>C on transcript NM_001256545.2 (MANE Select); 206 bases into the intron after coding-DNA position 319, T replaced by C.
Molecular consequence: intron variant.
Genome position (GRCh38, 1-based): chr5:127,340,836, T>C. VCF-style: chr5-127340836-T-C. GRCh37 (hg19) VCF-style: chr5-126676528-T-C.
Other names: c.319+206T>C (NM_032446.3, NM_001308119.2, NM_001308121.2).
Identifiers: ClinVar variation 670457 (VCV000670457.1), dbSNP rs17839697, ClinGen allele CA127484643.